The following is an entry in ClinVar:

ClinVar aggregate classification (germline): Pathogenic. Review status: reviewed by expert panel (3 of 4 stars). 6 submissions from 6 submitters: Pathogenic (1). 5 of the submissions do not count toward it. Last evaluated 2016-09-08.

Conditions:
Breast-ovarian cancer, familial, susceptibility to, 1 (BROVCA1). Also called: BRCA1 Hereditary Breast and Ovarian Cancer; OVARIAN CANCER, SUSCEPTIBILITY TO. Identifiers: Orphanet 145, MedGen C2676676, MONDO:0011450, OMIM 604370. Disease mechanism: loss of function.
Hereditary breast ovarian cancer syndrome. Also called: Hereditary breast and/or ovarian cancer syndrome; Hereditary breast and ovarian cancer syndrome; Hereditary breast and ovarian cancer; Hereditary breast and ovarian cancer syndrome (HBOC); Breast and ovarian cancer; BRCA1- and BRCA2-Associated Hereditary Breast and Ovarian Cancer. Identifiers: Orphanet 145, MedGen C0677776, MeSH D061325, MONDO:0003582. Disease mechanism: loss of function.
Hereditary cancer-predisposing syndrome. Also called: Hereditary Cancer Syndrome; Neoplastic Syndromes, Hereditary; Hereditary neoplastic syndrome; Tumor predisposition. Identifiers: Orphanet 140162, MedGen C0027672, MeSH D009386, MONDO:0015356.

Submissions (6):

Evidence-based Network for the Interpretation of Germline Mutant Alleles (ENIGMA)
Classification: Pathogenic for Breast-ovarian cancer, familial, susceptibility to, 1. Last evaluated: 2016-09-08. Review status: reviewed by expert panel. Criteria: ENIGMA BRCA1/2 Classification Criteria (2015). Collection method: curation. Allele origin: germline.
Comment: Variant allele predicted to encode a truncated non-functional protein.

Quest Diagnostics Nichols Institute San Juan Capistrano
Classification: Pathogenic. Last evaluated: 2023-12-15. Review status: criteria provided, single submitter. Criteria: Quest Diagnostics criteria. Collection method: clinical testing. Allele origin: unknown. Not counted in ClinVar's aggregate classification.
Comment: The BRCA1 c.1148_1149del (p.Asn383Argfs*7) variant alters the translational reading frame of the BRCA1 mRNA and causes the premature termination of BRCA1 protein synthesis. This variant has been reported in the published literature in an affected family with breast and/or ovarian cancer (PMID: 19656415 (2009)). This variant has not been reported in large, multi-ethnic general populations (Genome Aggregation Database). Based on the available information, this variant is classified as pathogenic.

Ambry Genetics
Classification: Pathogenic for Hereditary cancer-predisposing syndrome. Last evaluated: 2023-06-30. Review status: criteria provided, single submitter. Criteria: Ambry Variant Classification Scheme 2023. Collection method: clinical testing. Allele origin: germline. Not counted in ClinVar's aggregate classification.
Comment: The c.1148_1149delAT pathogenic mutation, located in coding exon 9 of the BRCA1 gene, results from a deletion of two nucleotides at nucleotide positions 1148 to 1149, causing a translational frameshift with a predicted alternate stop codon (p.N383Rfs*7). This mutation has been reported in 1/91 Indian families with breast and/or ovarian cancer (Soumittra N et al. Hered Cancer Clin Pract, 2009 Aug;7:13). In addition to the clinical data presented in the literature, this alteration is expected to result in loss of function by premature protein truncation or nonsense-mediated mRNA decay. As such, this alteration is interpreted as a disease-causing mutation.

Labcorp Genetics (formerly Invitae), Labcorp
Classification: Pathogenic for Hereditary breast ovarian cancer syndrome. Last evaluated: 2022-08-18. Review status: criteria provided, single submitter. Criteria: Invitae Variant Classification Sherloc (09022015). Collection method: clinical testing. Allele origin: germline. Not counted in ClinVar's aggregate classification.
Comment: This sequence change creates a premature translational stop signal (p.Asn383Argfs*7) in the BRCA1 gene. It is expected to result in an absent or disrupted protein product. Loss-of-function variants in BRCA1 are known to be pathogenic (PMID: 20104584). For these reasons, this variant has been classified as Pathogenic. ClinVar contains an entry for this variant (Variation ID: 96895). This premature translational stop signal has been observed in individual(s) with breast cancer (PMID: 19656415). This variant is not present in population databases (gnomAD no frequency).

Consortium of Investigators of Modifiers of BRCA1/2 (CIMBA), c/o University of Cambridge
Classification: Pathogenic for Breast-ovarian cancer, familial, susceptibility to, 1. Last evaluated: 2015-10-02. Review status: criteria provided, single submitter. Criteria: CIMBA Mutation Classification guidelines May 2016. Collection method: clinical testing. Allele origin: germline. Not counted in ClinVar's aggregate classification.

Sharing Clinical Reports Project (SCRP)
Classification: Pathogenic for Breast-ovarian cancer, familial 1. Last evaluated: 2012-05-01. Review status: no assertion criteria provided. Collection method: clinical testing. Allele origin: germline. Not counted in ClinVar's aggregate classification.

Literature cited by the submitters: PubMed 19656415 (cited by 3 submitters); PubMed 20104584 (cited by Labcorp Genetics (formerly Invitae), Labcorp).

NM_007294.4(BRCA1):c.1148_1149del (p.Asn383fs)

Gene: BRCA1 (BRCA1 DNA repair associated; minus strand). Cytogenetic location: 17q21.31.
Variant type: Deletion.
Coding change: c.1148_1149del on transcript NM_007294.4 (MANE Select); coding-DNA positions 1148 to 1149, 2 bases deleted (AT; older notation c.1148_1149delAT).
Protein change: p.Asn383fs; shifts the reading frame from asparagine 383.
Molecular consequence: frameshift variant. On other transcripts: intron variant (137).
Genome position (GRCh38, 1-based): chr17:43,094,382-43,094,383, AT deleted on the plus strand (AT on the coding strand, the reverse complement: BRCA1 is on the minus strand). VCF-style (leftmost placement, unchanged base first): chr17-43094381-CAT-C. GRCh37 (hg19) VCF-style: chr17-41246398-CAT-C.
Other names: 1267delAT; c.935_936del, p.Asn312fs (NM_001407571.1, NM_001407853.1, NM_001407894.1 and 9 more transcripts); c.1148_1149del, p.Asn383fs (NM_001407581.1, NM_001407582.1, NM_001407583.1 and 30 more transcripts); c.1145_1146del, p.Asn382fs (NM_001407587.1, NM_001407610.1, NM_001407611.1 and 22 more transcripts); c.1139_1140del, p.Asn380fs (NM_001407647.1, NM_001407646.1); c.1025_1026del, p.Asn342fs (NM_001407648.1, NM_001407667.1, NM_001407668.1 and 19 more transcripts); c.1022_1023del, p.Asn341fs (NM_001407649.1, NM_001407670.1, NM_001407671.1 and 11 more transcripts); c.1070_1071del, p.Asn357fs (NM_001407653.1, NM_001407654.1, NM_001407655.1 and 4 more transcripts); and 41 more; short protein forms N336fs, N383fs, N312fs, N316fs, N256fs, N272fs, N315fs, N335fs.
Identifiers: ClinVar variation 96895 (VCV000096895.16), dbSNP rs431825384, ClinGen allele CA000761.